The following is an entry in ClinVar:

ClinVar aggregate classification (germline): Benign (1 of 4 stars; one submission).

Conditions:
Polycystic liver disease 2 (PCLD2). Also called: Polycystic liver disease 2 with or without kidney cysts. Identifiers: Orphanet 2924, MedGen C4310769, MONDO:0014860, OMIM 617004.

Allele frequency attached by ClinVar (database versions not stated): 1000 Genomes Project 0.00439; 1000 Genomes Project 30x 0.00375; gnomAD 0.00408 and 0.00383; TOPMed 0.00441.

Submission:

Illumina Laboratory Services, Illumina
Classification: Benign for Polycystic liver disease 2. Last evaluated: 2018-01-13. Review status: criteria provided, single submitter. Criteria: ICSL Variant Classification Criteria 13 December 2019. Collection method: clinical testing. Allele origin: germline.
Comment: This variant was observed in the ICSL laboratory as part of a predisposition screen in an ostensibly healthy population. It had not been previously curated by ICSL or reported in the Human Gene Mutation Database (HGMD: prior to June 1st, 2018), and was therefore a candidate for classification through an automated scoring system. Utilizing variant allele frequency, disease prevalence and penetrance estimates, and inheritance mode, an automated score was calculated to assess if this variant is too frequent to cause the disease. Based on the score and internal cut-off values, a variant classified as benign is not then subjected to further curation. The score for this variant resulted in a classification of benign for this disease.

NM_007214.5(SEC63):c.*3390G>A

Gene: SEC63 (SEC63 homolog, protein translocation regulator; minus strand). Cytogenetic location: 6q21.
Variant type: single nucleotide variant.
Coding change: c.*3390G>A on transcript NM_007214.5 (MANE Select); 3390 bases downstream of the stop codon, G replaced by A.
Molecular consequence: 3 prime UTR variant.
Genome position (GRCh38, 1-based): chr6:107,868,314, C>T on the plus strand (G>A on the coding strand, the complement: SEC63 is on the minus strand). VCF-style: chr6-107868314-C-T. GRCh37 (hg19) VCF-style: chr6-108189518-C-T.
Identifiers: ClinVar variation 906400 (VCV000906400.4), dbSNP rs142738269, ClinGen allele CA145653181.